The following is an entry in ClinVar:

ClinVar aggregate classification (germline): Uncertain significance (1 of 4 stars; one submission).

Allele frequency attached by ClinVar (database versions not stated): ESP Exome Variant Server 0.00008; gnomAD exomes 0.00001; ExAC 0.00001; gnomAD 0.00003; TOPMed 0.00005.
gnomAD v4.1: 14 of 1,606,834 alleles (0.00087%); highest among the groups gnomAD compares: African/African-American, 0.0013%; no homozygotes.

Submission:

Labcorp Genetics (formerly Invitae), Labcorp
Classification: Uncertain significance. Last evaluated: 2025-09-27. Review status: criteria provided, single submitter. Criteria: Invitae Variant Classification Sherloc (09022015). Collection method: clinical testing. Allele origin: germline.
Comment: This sequence change replaces histidine, which is basic and polar, with glutamine, which is neutral and polar, at codon 597 of the ZMIZ1 protein (p.His597Gln). This variant is present in population databases (rs144052949, gnomAD 0.004%). This variant has not been reported in the literature in individuals affected with ZMIZ1-related conditions. ClinVar contains an entry for this variant (Variation ID: 3017980). Invitae Evidence Modeling of protein sequence and biophysical properties (such as structural, functional, and spatial information, amino acid conservation, physicochemical variation, residue mobility, and thermodynamic stability) has been performed for this missense variant. However, the output from this modeling did not meet the statistical confidence thresholds required to predict the impact of this variant on ZMIZ1 protein function. In summary, the available evidence is currently insufficient to determine the role of this variant in disease. Therefore, it has been classified as a Variant of Uncertain Significance.

NM_020338.4(ZMIZ1):c.1791C>G (p.His597Gln)

Gene: ZMIZ1 (zinc finger MIZ-type containing 1; plus strand). Cytogenetic location: 10q22.3.
Variant type: single nucleotide variant.
Coding change: c.1791C>G on transcript NM_020338.4 (MANE Select); coding-DNA position 1791, C replaced by G.
Protein change: p.His597Gln; replaces histidine 597 with glutamine.
Molecular consequence: missense variant.
Genome position (GRCh38, 1-based): chr10:79,299,174, C>G. VCF-style: chr10-79299174-C-G. GRCh37 (hg19) VCF-style: chr10-81058931-C-G.
Other names: short protein forms H597Q.
Identifiers: ClinVar variation 3017980 (VCV003017980.3), dbSNP rs144052949, ClinGen allele CA5572795.
Genomic context (GRCh38, chr10:79,299,174, plus strand): 5'-CCGCCTGGAGCACAACCTGGCGGTCAGCAACCATGTGTTCCACCTGCGGCCCACGGTCCA[C>G]CAGACGCTGATGTGGAGGTGCGTGTCAGGGCAGGGGCGCCAGCCCAGGCGGGATGAAGGA-3'
Protein context (NP_065071.1, residues 587-607): NHVFHLRPTV[His597Gln]QTLMWRSDLE